The following is an entry in ClinVar:

NM_001377.3(DYNC2H1):c.6690C>A (p.Tyr2230Ter)

Gene: DYNC2H1 (dynein cytoplasmic 2 heavy chain 1; plus strand). Cytogenetic location: 11q22.3.
Variant type: single nucleotide variant.
Coding change: c.6690C>A on transcript NM_001377.3 (MANE Select); coding-DNA position 6690, C replaced by A.
Protein change: p.Tyr2230Ter; replaces tyrosine 2230 with a stop codon.
Molecular consequence: nonsense.
Genome position (GRCh38, 1-based): chr11:103,186,298, C>A. VCF-style: chr11-103186298-C-A. GRCh37 (hg19) VCF-style: chr11-103057027-C-A.
Other names: c.6690C>A, p.Tyr2230Ter (NM_001080463.2); short protein forms Y2230*.
Identifiers: ClinVar variation 5014781 (VCV005014781.1).

ClinVar aggregate classification (germline): Pathogenic (1 of 4 stars; one submission).

Conditions:
Asphyxiating thoracic dystrophy 3. Also called: SHORT-RIB THORACIC DYSPLASIA 3 WITH OR WITHOUT POLYDACTYLY; POLYDACTYLY WITH NEONATAL CHONDRODYSTROPHY, TYPE I; SHORT-RIB THORACIC DYSPLASIA 3/6 WITH POLYDACTYLY, DIGENIC; Short rib polydactyly syndrome 2B; Saldino-Noonan Syndrome. Identifiers: Orphanet 474, Orphanet 93269, Orphanet 93270, Orphanet 93271, MedGen C0036069, MONDO:0013127, OMIM 613091.

Submission:

Myriad Genetics, Inc.
Classification: Pathogenic for Asphyxiating thoracic dystrophy 3. Last evaluated: 2025-07-27. Review status: criteria provided, single submitter. Criteria: Myriad Autosomal Dominant, Autosomal Recessive and X-Linked Classification Criteria (2023). Collection method: clinical testing. Allele origin: unknown.
Comment: NM_001377.2(DYNC2H1):c.6690C>A(Y2230*) is expected to be pathogenic in the context of DYNC2H1-related disorders. This variant is predicted to lead to an abnormal or absent protein product due to the creation of a premature termination codon in DYNC2H1, a gene where loss-of-function variants are known to be pathogenic. Please note: this variant was assessed in the context of healthy population screening.